The following is an entry in ClinVar:

ClinVar aggregate classification (germline): Likely benign (0 of 4 stars; one submission).

Conditions:
MUC16-related disorder. Also called: MUC16-related condition.

Allele frequency attached by ClinVar (database versions not stated): 1000 Genomes Project 30x 0.00437.

Submission:

PreventionGenetics, part of Exact Sciences
Classification: Likely benign for MUC16-related condition. Last evaluated: 2019-08-27. Review status: no assertion criteria provided. Collection method: clinical testing. Allele origin: germline.
Comment: This variant is classified as likely benign based on ACMG/AMP sequence variant interpretation guidelines (Richards et al. 2015 PMID: 25741868, with internal and published modifications).

NM_001401501.2(MUC16):c.42754C>A (p.Arg14252=)

Gene: MUC16 (mucin 16, cell surface associated; minus strand). Cytogenetic location: 19p13.2.
Variant type: single nucleotide variant.
Coding change: c.42754C>A on transcript NM_001401501.2 (MANE Select); coding-DNA position 42754, C replaced by A.
Protein change: p.Arg14252=; no amino-acid change (arginine 14252 retained).
Molecular consequence: synonymous variant.
Genome position (GRCh38, 1-based): chr19:8,891,912, G>T on the plus strand (C>A on the coding strand, the complement: MUC16 is on the minus strand). VCF-style: chr19-8891912-G-T. GRCh37 (hg19) VCF-style: chr19-9002588-G-T.
Other names: c.43180C>A, p.Arg14394= (NM_001414686.1); c.42634C>A, p.Arg14212= (NM_001414687.1); c.40228C>A, p.Arg13410= (NM_024690.2).
Identifiers: ClinVar variation 3037304 (VCV003037304.2), dbSNP rs375626523, ClinGen allele CA9163498.